The following is an entry in ClinVar:

ClinVar aggregate classification (germline): Uncertain significance (1 of 4 stars; one submission).

Conditions:
Hypertrophic cardiomyopathy 14. Identifiers: MedGen C2750467, MONDO:0013197, OMIM 613251.

Submission:

MVZ Medizinische Genetik Mainz
Classification: Uncertain significance for Hypertrophic cardiomyopathy 14. Last evaluated: 2026-09-03. Review status: criteria provided, single submitter. Criteria: UK Practice Guidelines For Variant Classification V4 01 2020. Collection method: clinical testing. Allele origin: germline. Inheritance: Autosomal dominant inheritance. Affected: yes. Observed: 1 variant allele.
Comment: ACMG Criteria: PM2_SUP,PP3

NM_002471.4(MYH6):c.5245G>A (p.Glu1749Lys)

Gene: MYH6 (myosin heavy chain 6; minus strand). Cytogenetic location: 14q11.2.
Variant type: single nucleotide variant.
Coding change: c.5245G>A on transcript NM_002471.4 (MANE Select); coding-DNA position 5245, G replaced by A.
Protein change: p.Glu1749Lys; replaces glutamic acid 1749 with lysine.
Molecular consequence: missense variant.
Genome position (GRCh38, 1-based): chr14:23,384,960, C>T on the plus strand (G>A on the coding strand, the complement: MYH6 is on the minus strand). VCF-style: chr14-23384960-C-T. GRCh37 (hg19) VCF-style: chr14-23854169-C-T.
Other names: short protein forms E1749K.
Identifiers: ClinVar variation 5010170 (VCV005010170.1).